The following is an entry in ClinVar:

ClinVar aggregate classification (germline): Likely benign. Review status: criteria provided, multiple submitters, no conflicts (2 of 4 stars). 2 submissions from 2 submitters: Likely benign (2). Last evaluated 2025-05-27.

Conditions:
Fetal akinesia deformation sequence 1 (FADS1). Also called: Fetal akinesia sequence; Pena-Shokeir syndrome type I. Identifiers: Orphanet 994, MedGen C1276035, MONDO:0100101, OMIM 208150, HP:0001989.
Congenital myasthenic syndrome 11. Also called: MYASTHENIC SYNDROME, CONGENITAL, Ie; Myasthenic syndrome, congenital, 11, associated with acetylcholine receptor deficiency. Identifiers: Orphanet 590, MedGen C4225367, MONDO:0014588, OMIM 616326.

Allele frequency attached by ClinVar (database versions not stated): TOPMed below 0.00001; gnomAD exomes 0.00001; ExAC 0.00002.
gnomAD v4.1: 13 of 1,614,224 alleles (0.00081%); highest among the groups gnomAD compares: Non-Finnish European, 0.0011%; no homozygotes.

Submissions (2):

Mayo Clinic Laboratories, Mayo Clinic
Classification: Likely benign. Last evaluated: 2025-05-27. Review status: criteria provided, single submitter. Criteria: ACMG Guidelines, 2015. Collection method: clinical testing. Allele origin: germline. Observed: 1 variant allele.
Comment: BP4, BP7

Labcorp Genetics (formerly Invitae), Labcorp
Classification: Likely benign for Congenital myasthenic syndrome 11; Fetal akinesia deformation sequence 1. Last evaluated: 2024-01-30. Review status: criteria provided, single submitter. Criteria: Invitae Variant Classification Sherloc (09022015). Collection method: clinical testing. Allele origin: germline.

NM_005055.5(RAPSN):c.90A>G (p.Thr30=)

Gene: RAPSN (receptor associated protein of the synapse; minus strand). Cytogenetic location: 11p11.2.
Variant type: single nucleotide variant.
Coding change: c.90A>G on transcript NM_005055.5 (MANE Select); coding-DNA position 90, A replaced by G.
Protein change: p.Thr30=; no amino-acid change (threonine 30 retained).
Molecular consequence: synonymous variant.
Genome position (GRCh38, 1-based): chr11:47,448,875, T>C on the plus strand (A>G on the coding strand, the complement: RAPSN is on the minus strand). VCF-style: chr11-47448875-T-C. GRCh37 (hg19) VCF-style: chr11-47470427-T-C.
Other names: p.Thr30=; c.90A>G, p.Thr30= (NM_032645.5).
Identifiers: ClinVar variation 1134094 (VCV001134094.10), dbSNP rs753896492, ClinGen allele CA5976838.